The following is an entry in ClinVar:

NM_001286.5(CLCN6):c.345A>C (p.Thr115=)

Gene: CLCN6 (chloride voltage-gated channel 6; plus strand). Cytogenetic location: 1p36.22.
Variant type: single nucleotide variant.
Coding change: c.345A>C on transcript NM_001286.5 (MANE Select); coding-DNA position 345, A replaced by C.
Protein change: p.Thr115=; no amino-acid change (threonine 115 retained).
Molecular consequence: synonymous variant. On other transcripts: non-coding transcript variant (1).
Genome position (GRCh38, 1-based): chr1:11,819,553, A>C. VCF-style: chr1-11819553-A-C. GRCh37 (hg19) VCF-style: chr1-11879610-A-C.
Other names: c.279A>C, p.Thr93= (NM_001256959.2).
Identifiers: ClinVar variation 1473666 (VCV001473666.8), dbSNP rs751537921, ClinGen allele CA596007.

ClinVar aggregate classification (germline): Uncertain significance (1 of 4 stars; one submission).

gnomAD v4.1: 3 of 1,613,950 alleles (0.00019%); highest among the groups gnomAD compares: Non-Finnish European, 0.00025%; no homozygotes.

Submission:

Labcorp Genetics (formerly Invitae), Labcorp
Classification: Uncertain significance. Last evaluated: 2023-08-10. Review status: criteria provided, single submitter. Criteria: Invitae Variant Classification Sherloc (09022015). Collection method: clinical testing. Allele origin: germline.
Comment: This sequence change affects codon 115 of the CLCN6 mRNA. It is a 'silent' change, meaning that it does not change the encoded amino acid sequence of the CLCN6 protein. It affects a nucleotide within the consensus splice site. This variant is present in population databases (rs751537921, gnomAD 0.002%). This variant has not been reported in the literature in individuals affected with CLCN6-related conditions. ClinVar contains an entry for this variant (Variation ID: 1473666). Algorithms developed to predict the effect of sequence changes on RNA splicing suggest that this variant is not likely to affect RNA splicing. In summary, the available evidence is currently insufficient to determine the role of this variant in disease. Therefore, it has been classified as a Variant of Uncertain Significance.